The following is an entry in ClinVar:

ClinVar aggregate classification (germline): Conflicting classifications of pathogenicity. Review status: criteria provided, conflicting classifications (1 of 4 stars). 2 submissions from 2 submitters: Uncertain significance (1); Likely benign (1). Last evaluated 2023-04-05.

Conditions:
Inborn genetic diseases. Identifiers: MedGen C0950123, MeSH D030342.

Allele frequency attached by ClinVar (database versions not stated): TOPMed 0.00003; gnomAD 0.00004; ExAC 0.00006.
gnomAD v4.1: 27 of 1,522,748 alleles (0.0018%); highest among the groups gnomAD compares: East Asian, 0.057%; no homozygotes.

Submissions (2):

Ambry Genetics
Classification: Likely benign for Inborn genetic diseases. Last evaluated: 2023-04-05. Review status: criteria provided, single submitter. Criteria: Ambry Variant Classification Scheme 2023. Collection method: clinical testing. Allele origin: germline.

Labcorp Genetics (formerly Invitae), Labcorp
Classification: Uncertain significance. Last evaluated: 2022-09-13. Review status: criteria provided, single submitter. Criteria: Invitae Variant Classification Sherloc (09022015). Collection method: clinical testing. Allele origin: germline.
Comment: This sequence change replaces proline, which is neutral and non-polar, with alanine, which is neutral and non-polar, at codon 1494 of the MAST1 protein (p.Pro1494Ala). This variant is present in population databases (rs764734542, gnomAD 0.06%). This variant has not been reported in the literature in individuals affected with MAST1-related conditions. Algorithms developed to predict the effect of missense changes on protein structure and function (SIFT, PolyPhen-2, Align-GVGD) all suggest that this variant is likely to be tolerated. In summary, the available evidence is currently insufficient to determine the role of this variant in disease. Therefore, it has been classified as a Variant of Uncertain Significance.

NM_014975.3(MAST1):c.4480C>G (p.Pro1494Ala)

Gene: MAST1 (microtubule associated serine/threonine kinase 1; plus strand). Cytogenetic location: 19p13.13.
Variant type: single nucleotide variant.
Coding change: c.4480C>G on transcript NM_014975.3 (MANE Select); coding-DNA position 4480, C replaced by G.
Protein change: p.Pro1494Ala; replaces proline 1494 with alanine.
Molecular consequence: missense variant.
Genome position (GRCh38, 1-based): chr19:12,874,637, C>G. VCF-style: chr19-12874637-C-G. GRCh37 (hg19) VCF-style: chr19-12985451-C-G.
Other names: c.4480C>G (NM_014975.2); short protein forms P1494A.
Identifiers: ClinVar variation 2182019 (VCV002182019.6), dbSNP rs764734542, ClinGen allele CA9233578.